The following is an entry in ClinVar:

NM_001005337.3(PKP1):c.2051G>A (p.Arg684Gln)

Gene: PKP1 (plakophilin 1; plus strand). Cytogenetic location: 1q32.1.
Variant type: single nucleotide variant.
Coding change: c.2051G>A on transcript NM_001005337.3 (MANE Select); coding-DNA position 2051, G replaced by A.
Protein change: p.Arg684Gln; replaces arginine 684 with glutamine.
Molecular consequence: missense variant.
Genome position (GRCh38, 1-based): chr1:201,325,783, G>A. VCF-style: chr1-201325783-G-A. GRCh37 (hg19) VCF-style: chr1-201294911-G-A.
Other names: c.2114G>A, p.Arg705Gln (NM_000299.4); short protein forms R705Q, R684Q.
Identifiers: ClinVar variation 876947 (VCV000876947.5), dbSNP rs573352897, ClinGen allele CA1324698.

ClinVar aggregate classification (germline): Uncertain significance. Review status: criteria provided, single submitter (1 of 4 stars). 2 submissions from 2 submitters: Uncertain significance (1). 1 of the submissions does not count toward it. Last evaluated 2018-01-13.

Conditions:
Epidermolysis bullosa simplex due to plakophilin deficiency. Also called: MCGRATH SYNDROME. Identifiers: Orphanet 158668, MedGen C1858302, MONDO:0011472, OMIM 604536.

Allele frequency attached by ClinVar (database versions not stated): gnomAD exomes 0.00002; TOPMed 0.00003; gnomAD 0.00004.
gnomAD v4.1: 32 of 1,613,898 alleles (0.002%); highest among the groups gnomAD compares: Admixed American, 0.0067%; no homozygotes.

Submissions (2):

Illumina Laboratory Services, Illumina
Classification: Uncertain significance for Epidermolysis bullosa simplex due to plakophilin deficiency. Last evaluated: 2018-01-13. Review status: criteria provided, single submitter. Criteria: ICSL Variant Classification Criteria 13 December 2019. Collection method: clinical testing. Allele origin: germline.

Department of Pathology and Laboratory Medicine, Sinai Health System
Classification: Uncertain significance. Review status: no assertion criteria provided. Collection method: clinical testing. Allele origin: unknown. Affected: yes. Study: The Canadian Open Genetics Repository (COGR). Not counted in ClinVar's aggregate classification.
Comment: The PKP1 p.Arg705Gln variant was not identified in the literature nor was it identified in ClinVar, Cosmic, or LOVD 3.0. The variant was identified in dbSNP (ID: rs573352897) and in control databases in 9 of 282778 chromosomes at a frequency of 0.000032 (Genome Aggregation Database Feb 27, 2017). The variant was observed in the following populations: Latino in 3 of 35438 chromosomes (freq: 0.000085), African in 1 of 24964 chromosomes (freq: 0.00004) and European (non-Finnish) in 5 of 129102 chromosomes (freq: 0.000039), but not in the Ashkenazi Jewish, East Asian, European (Finnish), Other or South Asian populations. The p.Arg705 residue is conserved in mammals and computational analyses (PolyPhen-2, SIFT, AlignGVGD, BLOSUM, MutationTaster) provide inconsistent predictions regarding the impact to the protein; this information is not very predictive of pathogenicity. The variant occurs outside of the splicing consensus sequence and in silico or computational prediction software programs (SpliceSiteFinder, MaxEntScan, NNSPLICE, GeneSplicer) do not predict a difference in splicing. In summary, based on the above information the clinical significance of this variant cannot be determined with certainty at this time. This variant is classified as a variant of uncertain significance.